The following is an entry in ClinVar:

NM_003072.5(SMARCA4):c.4237C>G (p.Arg1413Gly)

Gene: SMARCA4 (SWI/SNF related BAF chromatin remodeling complex subunit ATPase 4; plus strand). Cytogenetic location: 19p13.2.
Variant type: single nucleotide variant.
Coding change: c.4237C>G on transcript NM_003072.5 (MANE Select); coding-DNA position 4237, C replaced by G.
Protein change: p.Arg1413Gly; replaces arginine 1413 with glycine.
Molecular consequence: missense variant. On other transcripts: non-coding transcript variant (1).
Genome position (GRCh38, 1-based): chr19:11,041,373, C>G. VCF-style: chr19-11041373-C-G. GRCh37 (hg19) VCF-style: chr19-11152049-C-G.
Other names: c.4237C>G, p.Arg1413Gly (NM_001128844.3); c.4147C>G, p.Arg1383Gly (NM_001128845.2, NM_001128846.2); c.4138C>G, p.Arg1380Gly (NM_001128847.4, NM_001128848.2, NM_001374457.1); c.4333C>G, p.Arg1445Gly (NM_001128849.3, NM_001387283.1); short protein forms R1380G, R1383G, R1413G, R1445G.
Identifiers: ClinVar variation 1051091 (VCV001051091.12), dbSNP rs558017726, ClinGen allele CA404073085.

ClinVar aggregate classification (germline): Uncertain significance. Review status: criteria provided, multiple submitters, no conflicts (2 of 4 stars). 2 submissions from 2 submitters: Uncertain significance (2). Last evaluated 2025-10-09.

Conditions:
Hereditary cancer-predisposing syndrome. Also called: Tumor predisposition; Hereditary neoplastic syndrome; Hereditary Cancer Syndrome; Neoplastic Syndromes, Hereditary. Identifiers: Orphanet 140162, MedGen C0027672, MeSH D009386, MONDO:0015356.
Rhabdoid tumor predisposition syndrome 2 (RTPS2). Identifiers: Orphanet 231108, Orphanet 69077, MedGen C2750074, MONDO:0013224, OMIM 613325.

gnomAD v4.1: 1 of 1,612,628 alleles (0.000062%); highest among the groups gnomAD compares: Non-Finnish European, 0.000085%; no homozygotes.

Submissions (2):

Ambry Genetics
Classification: Uncertain significance for Hereditary cancer-predisposing syndrome. Last evaluated: 2025-10-09. Review status: criteria provided, single submitter. Criteria: Ambry Variant Classification Scheme 2023. Collection method: clinical testing. Allele origin: germline.
Comment: The p.R1445G variant (also known as c.4333C>G), located in coding exon 30 of the SMARCA4 gene, results from a C to G substitution at nucleotide position 4333. The arginine at codon 1445 is replaced by glycine, an amino acid with dissimilar properties. This amino acid position is highly conserved in available vertebrate species. In addition, the in silico prediction for this alteration is inconclusive. Missense and in-frame variants in SMARCA4 are known to cause neurodevelopmental disorders; however, such associations with rhabdoid tumor predisposition syndrome including small cell carcinoma of the ovary-hypercalcemic type (SCCOHT) are exceedingly rare (Kosho T et al. Am J Med Genet C Semin Med Genet. 2014 Sep;166C(3):262-75; Jelinic P et al. Nat Genet. 2014 May;46(5):424-6). Based on the supporting evidence, the association of this alteration with Coffin-Siris syndrome is unknown; however, the association of this alteration with rhabdoid tumor predisposition syndrome is unlikely.

Labcorp Genetics (formerly Invitae), Labcorp
Classification: Uncertain significance for Rhabdoid tumor predisposition syndrome 2. Last evaluated: 2023-08-10. Review status: criteria provided, single submitter. Criteria: Invitae Variant Classification Sherloc (09022015). Collection method: clinical testing. Allele origin: germline.
Comment: This sequence change replaces arginine, which is basic and polar, with glycine, which is neutral and non-polar, at codon 1445 of the SMARCA4 protein (p.Arg1445Gly). This variant is not present in population databases (gnomAD no frequency). This variant has not been reported in the literature in individuals affected with SMARCA4-related conditions. ClinVar contains an entry for this variant (Variation ID: 1051091). Advanced modeling of protein sequence and biophysical properties (such as structural, functional, and spatial information, amino acid conservation, physicochemical variation, residue mobility, and thermodynamic stability) performed at Invitae indicates that this missense variant is expected to disrupt SMARCA4 protein function. In summary, the available evidence is currently insufficient to determine the role of this variant in disease. Therefore, it has been classified as a Variant of Uncertain Significance.